The following is an entry in ClinVar:

ClinVar aggregate classification (germline): Likely benign. Review status: criteria provided, multiple submitters, no conflicts (2 of 4 stars). 4 submissions from 4 submitters: Likely benign (3). 1 of the submissions does not count toward it. Last evaluated 2025-07-30.

Conditions:
CNOT3-related disorder. Also called: CNOT3-related condition.

Allele frequency attached by ClinVar (database versions not stated): ExAC 0.00026; gnomAD exomes 0.00029 and 0.00033; gnomAD 0.00033; TOPMed 0.00036; 1000 Genomes Project 0.00040; ESP Exome Variant Server 0.00046; 1000 Genomes Project 30x 0.00062.
gnomAD v4.1: 544 of 1,613,936 alleles (0.034%); highest among the groups gnomAD compares: Non-Finnish European, 0.04%; 1 homozygote.

Submissions (4):

Labcorp Genetics (formerly Invitae), Labcorp
Classification: Likely benign. Last evaluated: 2025-07-30. Review status: criteria provided, single submitter. Criteria: Invitae Variant Classification Sherloc (09022015). Collection method: clinical testing. Allele origin: germline.

Blueprint Genetics
Classification: Likely benign. Last evaluated: 2024-11-11. Review status: criteria provided, single submitter. Criteria: ACMG Guidelines, 2015. Collection method: clinical testing. Allele origin: germline.

CeGaT Center for Human Genetics Tuebingen
Classification: Likely benign. Last evaluated: 2023-10-01. Review status: criteria provided, single submitter. Criteria: CeGaT Center For Human Genetics Tuebingen Variant Classification Criteria Version 2. Collection method: clinical testing. Allele origin: germline. Affected: yes. Observed: 5 variant alleles.
Comment: CNOT3: BP4, BP7

PreventionGenetics, part of Exact Sciences
Classification: Likely benign for CNOT3-related condition. Last evaluated: 2021-08-24. Review status: no assertion criteria provided. Collection method: clinical testing. Allele origin: germline. Not counted in ClinVar's aggregate classification.
Comment: This variant is classified as likely benign based on ACMG/AMP sequence variant interpretation guidelines (Richards et al. 2015 PMID: 25741868, with internal and published modifications).

NM_014516.4(CNOT3):c.207C>T (p.Asn69=)

Gene: CNOT3 (CCR4-NOT transcription complex subunit 3; plus strand). Cytogenetic location: 19q13.42.
Variant type: single nucleotide variant.
Coding change: c.207C>T on transcript NM_014516.4 (MANE Select); coding-DNA position 207, C replaced by T.
Protein change: p.Asn69=; no amino-acid change (asparagine 69 retained).
Molecular consequence: synonymous variant.
Genome position (GRCh38, 1-based): chr19:54,143,698, C>T. VCF-style: chr19-54143698-C-T. GRCh37 (hg19) VCF-style: chr19-54647434-C-T.
Other names: c.207C>T (NM_014516.3).
Identifiers: ClinVar variation 1675759 (VCV001675759.40), dbSNP rs148048226, ClinGen allele CA309338532.
Genomic context (GRCh38, chr19:54,143,698, plus strand): 5'-TTCTTGCTTTTCCCATCTGCAGCGGCTGAGGGACCAAATCAAGACATGGGTAGCGTCCAA[C>T]GAGATCAAGGACAAGAGGCAGCTTATAGACAACCGCAAGCTCATTGAGACGGTAGGAGCC-3'
Protein context (NP_055331.1, residues 59-79): RDQIKTWVAS[Asn69=]EIKDKRQLID